The following is an entry in ClinVar:

NM_003126.4(SPTA1):c.3473G>A (p.Arg1158Gln)

Gene: SPTA1 (spectrin alpha, erythrocytic 1; minus strand). Cytogenetic location: 1q23.1.
Variant type: single nucleotide variant.
Coding change: c.3473G>A on transcript NM_003126.4 (MANE Select); coding-DNA position 3473, G replaced by A.
Protein change: p.Arg1158Gln; replaces arginine 1158 with glutamine.
Molecular consequence: missense variant.
Genome position (GRCh38, 1-based): chr1:158,651,371, C>T on the plus strand (G>A on the coding strand, the complement: SPTA1 is on the minus strand). VCF-style: chr1-158651371-C-T. GRCh37 (hg19) VCF-style: chr1-158621161-C-T.
Other names: p.Arg1158Gln; short protein forms R1158Q.
Identifiers: ClinVar variation 2682669 (VCV002682669.1), dbSNP rs765768719, ClinGen allele CA1183052.

ClinVar aggregate classification (germline): Uncertain significance (1 of 4 stars; one submission).

Allele frequency attached by ClinVar (database versions not stated): ExAC 0.00001; gnomAD 0.00001; TOPMed 0.00002.
gnomAD v4.1: 9 of 1,611,882 alleles (0.00056%); highest among the groups gnomAD compares: Middle Eastern, 0.033%; no homozygotes.

Submission:

Mayo Clinic Laboratories, Mayo Clinic
Classification: Uncertain significance. Last evaluated: 2022-07-19. Review status: criteria provided, single submitter. Criteria: ACMG Guidelines, 2015. Collection method: clinical testing. Allele origin: germline. Observed: 1 variant allele.
Comment: BP4, PM2